The following is an entry in ClinVar:

NM_000051.4(ATM):c.7710A>G (p.Glu2570=)

Genes: ATM (ATM serine/threonine kinase; plus strand), C11orf65 (chromosome 11 open reading frame 65; minus strand). Cytogenetic location: 11q22.3.
Variant type: single nucleotide variant.
Coding change: c.7710A>G on transcript NM_000051.4 (MANE Select); coding-DNA position 7710, A replaced by G.
Protein change: p.Glu2570=; no amino-acid change (glutamic acid 2570 retained).
Molecular consequence: synonymous variant. On other transcripts: intron variant (2).
Genome position (GRCh38, 1-based): chr11:108,331,959, A>G. VCF-style: chr11-108331959-A-G. GRCh37 (hg19) VCF-style: chr11-108202686-A-G.
Other names: c.7710A>G, p.Glu2570= (NM_001351834.2); c.641-22888T>C (NM_001330368.2); c.*38+3261T>C (NM_001351110.2).
Identifiers: ClinVar variation 524482 (VCV000524482.16), dbSNP rs760215505, ClinGen allele CA6266169.
Genomic context (GRCh38, chr11:108,331,959, plus strand): 5'-GGATCACCCCCATCACACTTTGTTTATTATACTGGCCTTAGCAAATGCAAACAGAGATGA[A>G]TTTCTGACTAAACCAGAGGTAGCCAGAAGAAGCAGAATAACTAAAAATGTGCCTAAACAA-3'
Protein context (NP_000042.3, residues 2560-2580): ILALANANRD[Glu2570=]FLTKPEVARR

ClinVar aggregate classification (germline): Benign/Likely benign. Review status: criteria provided, multiple submitters, no conflicts (2 of 4 stars). 4 submissions from 4 submitters: Benign (1); Likely benign (3). Last evaluated 2025-10-05.

Conditions:
Hereditary cancer-predisposing syndrome. Also called: Hereditary Cancer Syndrome; Neoplastic Syndromes, Hereditary; Tumor predisposition; Hereditary neoplastic syndrome. Identifiers: Orphanet 140162, MedGen C0027672, MeSH D009386, MONDO:0015356.
Familial cancer of breast. Also called: BREAST CANCER, FAMILIAL; Hereditary breast cancer; hereditary breast carcinoma. Identifiers: Orphanet 227535, MedGen C0346153, MONDO:0016419, OMIM 114480. Disease mechanism: loss of function.
Ataxia-telangiectasia syndrome (AT). Also called: Cerebello-oculocutaneous telangiectasia; Immunodeficiency with ataxia telangiectasia; Ataxia-telangiectasia, complementation group E; Ataxia-telangiectasia, complementation group D; AT, COMPLEMENTATION GROUP C; ATAXIA-TELANGIECTASIA, COMPLEMENTATION GROUP A. Identifiers: Orphanet 100, MedGen C0004135, MONDO:0008840, OMIM 208900.

Allele frequency attached by ClinVar (database versions not stated): gnomAD exomes below 0.00001; ExAC 0.00001.
gnomAD v4.1: 1 of 1,614,088 alleles (0.000062%); highest among the groups gnomAD compares: Admixed American, 0.0017%; no homozygotes.

Submissions (4):

Color Diagnostics, LLC DBA Color Health
Classification: Likely benign for Hereditary cancer-predisposing syndrome. Last evaluated: 2025-10-05. Review status: criteria provided, single submitter. Criteria: ACMG Guidelines, 2015. Collection method: clinical testing. Allele origin: germline.

Myriad Genetics, Inc.
Classification: Benign for Familial cancer of breast. Last evaluated: 2024-06-17. Review status: criteria provided, single submitter. Criteria: Myriad Autosomal Dominant, Autosomal Recessive and X-Linked Classification Criteria (2023). Collection method: clinical testing. Allele origin: unknown.
Comment: This variant is considered benign. This variant is a silent/synonymous amino acid change and it is not expected to impact splicing.

Labcorp Genetics (formerly Invitae), Labcorp
Classification: Likely benign for Ataxia-telangiectasia syndrome. Last evaluated: 2024-04-22. Review status: criteria provided, single submitter. Criteria: Invitae Variant Classification Sherloc (09022015). Collection method: clinical testing. Allele origin: germline.

Ambry Genetics
Classification: Likely benign for Hereditary cancer-predisposing syndrome. Last evaluated: 2023-04-27. Review status: criteria provided, single submitter. Criteria: Ambry Variant Classification Scheme 2023. Collection method: clinical testing. Allele origin: germline.